The following is an entry in ClinVar:

ClinVar aggregate classification (germline): Uncertain significance (1 of 4 stars; one submission).

Conditions:
Kabuki syndrome 2 (KABUK2). Also called: KDM6A-Related Kabuki Syndrome. Identifiers: Orphanet 2322, MedGen C3275495, MONDO:0010465, OMIM 300867.

Allele frequency attached by ClinVar (database versions not stated): TOPMed 0.00001.
gnomAD v4.1: 2 of 1,211,551 alleles (0.00017%); highest among the groups gnomAD compares: Non-Finnish European, 0.00022%; no homozygotes.

Submission:

Labcorp Genetics (formerly Invitae), Labcorp
Classification: Uncertain significance for Kabuki syndrome 2. Last evaluated: 2025-05-04. Review status: criteria provided, single submitter. Criteria: Invitae Variant Classification Sherloc (09022015). Collection method: clinical testing. Allele origin: germline.
Comment: This sequence change replaces histidine, which is basic and polar, with arginine, which is basic and polar, at codon 752 of the KDM6A protein (p.His752Arg). This variant is not present in population databases (gnomAD no frequency). This variant has not been reported in the literature in individuals affected with KDM6A-related conditions. ClinVar contains an entry for this variant (Variation ID: 2093619). Invitae Evidence Modeling of protein sequence and biophysical properties (such as structural, functional, and spatial information, amino acid conservation, physicochemical variation, residue mobility, and thermodynamic stability) indicates that this missense variant is not expected to disrupt KDM6A protein function with a negative predictive value of 80%. In summary, the available evidence is currently insufficient to determine the role of this variant in disease. Therefore, it has been classified as a Variant of Uncertain Significance.

NM_001291415.2(KDM6A):c.2411A>G (p.His804Arg)

Gene: KDM6A (lysine demethylase 6A; plus strand). Cytogenetic location: Xp11.3.
Variant type: single nucleotide variant.
Coding change: c.2411A>G on transcript NM_001291415.2 (MANE Select); coding-DNA position 2411, A replaced by G.
Protein change: p.His804Arg; replaces histidine 804 with arginine.
Molecular consequence: missense variant. On other transcripts: non-coding transcript variant (1).
Genome position (GRCh38, 1-based): chrX:45,069,910, A>G. VCF-style: chrX-45069910-A-G. GRCh37 (hg19) VCF-style: chrX-44929155-A-G.
Other names: c.2276A>G, p.His759Arg (NM_001291416.2); c.2120A>G, p.His707Arg (NM_001291417.2); c.2018A>G, p.His673Arg (NM_001291418.2); c.1367A>G, p.His456Arg (NM_001291421.2); c.2153A>G, p.His718Arg (NM_001410742.1); c.2255A>G, p.His752Arg (NM_021140.4); short protein forms H456R, H752R, H759R, H673R, H707R, H718R, H804R.
Identifiers: ClinVar variation 2093619 (VCV002093619.4), dbSNP rs2044739718, ClinGen allele CA412794112.